The following is an entry in ClinVar:

NM_001384474.1(LOXHD1):c.2839G>A (p.Asp947Asn)

Gene: LOXHD1 (lipoxygenase homology PLAT domains 1; minus strand). Cytogenetic location: 18q21.1.
Variant type: single nucleotide variant.
Coding change: c.2839G>A on transcript NM_001384474.1 (MANE Select); coding-DNA position 2839, G replaced by A.
Protein change: p.Asp947Asn; replaces aspartic acid 947 with asparagine.
Molecular consequence: missense variant.
Genome position (GRCh38, 1-based): chr18:46,560,305, C>T on the plus strand (G>A on the coding strand, the complement: LOXHD1 is on the minus strand). VCF-style: chr18-46560305-C-T. GRCh37 (hg19) VCF-style: chr18-44140268-C-T.
Other names: c.2839G>A, p.Asp947Asn (NM_144612.7); short protein forms D947N.
Identifiers: ClinVar variation 326855 (VCV000326855.7), dbSNP rs371808826, ClinGen allele CA8952611.

ClinVar aggregate classification (germline): Uncertain significance. Review status: criteria provided, multiple submitters, no conflicts (2 of 4 stars). 3 submissions from 3 submitters: Uncertain significance (3). Last evaluated 2022-02-18.

Conditions:
Autosomal recessive nonsyndromic hearing loss 77. Identifiers: Orphanet 90636, MedGen C2746083, MONDO:0013119, OMIM 613079.
Inborn genetic diseases. Identifiers: MedGen C0950123, MeSH D030342.

Allele frequency attached by ClinVar (database versions not stated): ExAC 0.00005; gnomAD exomes 0.00006 and 0.00010; gnomAD 0.00009 and 0.00010; TOPMed 0.00012; 1000 Genomes Project 30x 0.00016; 1000 Genomes Project 0.00020.
gnomAD v4.1: 158 of 1,551,970 alleles (0.01%); highest among the groups gnomAD compares: African/African-American, 0.016%; no homozygotes.

Submissions (3):

Labcorp Genetics (formerly Invitae), Labcorp
Classification: Uncertain significance. Last evaluated: 2022-02-18. Review status: criteria provided, single submitter. Criteria: Invitae Variant Classification Sherloc (09022015). Collection method: clinical testing. Allele origin: germline.
Comment: This sequence change replaces aspartic acid, which is acidic and polar, with asparagine, which is neutral and polar, at codon 947 of the LOXHD1 protein (p.Asp947Asn). This variant is present in population databases (rs371808826, gnomAD 0.01%). This variant has not been reported in the literature in individuals affected with LOXHD1-related conditions. ClinVar contains an entry for this variant (Variation ID: 326855). Algorithms developed to predict the effect of missense changes on protein structure and function (SIFT, PolyPhen-2, Align-GVGD) all suggest that this variant is likely to be tolerated. In summary, the available evidence is currently insufficient to determine the role of this variant in disease. Therefore, it has been classified as a Variant of Uncertain Significance.

Ambry Genetics
Classification: Uncertain significance for Inborn genetic diseases. Last evaluated: 2021-09-16. Review status: criteria provided, single submitter. Criteria: Ambry Variant Classification Scheme 2023. Collection method: clinical testing. Allele origin: germline.

Illumina Laboratory Services, Illumina
Classification: Uncertain significance for Autosomal recessive nonsyndromic hearing loss 77. Last evaluated: 2018-01-13. Review status: criteria provided, single submitter. Criteria: ICSL Variant Classification Criteria 13 December 2019. Collection method: clinical testing. Allele origin: germline.